The following is an entry in ClinVar:

ClinVar aggregate classification (germline): Uncertain significance. Review status: criteria provided, multiple submitters, no conflicts (2 of 4 stars). 3 submissions from 3 submitters: Uncertain significance (3). Last evaluated 2024-04-17.

Conditions:
Mitochondrial complex V (ATP synthase) deficiency, nuclear type 2. Also called: Nuclear-Encoded ATPase Deficiency, TMEM70-Related; ENCEPHALOCARDIOMYOPATHY, MITOCHONDRIAL, NEONATAL, DUE TO ATP SYNTHASE DEFICIENCY; MITOCHONDRIAL COMPLEX V (ATP SYNTHASE) DEFICIENCY, TMEM70 TYPE. Identifiers: Orphanet 1194, MedGen C3279699, MONDO:0013546, OMIM 614052.

Allele frequency attached by ClinVar (database versions not stated): gnomAD 0.00001; TOPMed 0.00002; ExAC 0.00003; ESP Exome Variant Server 0.00008.

Submissions (3):

GeneDx
Classification: Uncertain significance. Last evaluated: 2024-04-17. Review status: criteria provided, single submitter. Criteria: GeneDx Variant Classification Process June 2021. Collection method: clinical testing. Allele origin: germline. Affected: yes.
Comment: Not observed at significant frequency in large population cohorts (gnomAD); In silico analysis supports that this missense variant has a deleterious effect on protein structure/function; Has not been previously published as pathogenic or benign to our knowledge

Labcorp Genetics (formerly Invitae), Labcorp
Classification: Uncertain significance for Mitochondrial complex V (ATP synthase) deficiency, nuclear type 2. Last evaluated: 2022-02-18. Review status: criteria provided, single submitter. Criteria: Invitae Variant Classification Sherloc (09022015). Collection method: clinical testing. Allele origin: germline.
Comment: This sequence change replaces arginine, which is basic and polar, with glutamine, which is neutral and polar, at codon 80 of the TMEM70 protein (p.Arg80Gln). This variant is present in population databases (rs376156875, gnomAD 0.01%). This variant has not been reported in the literature in individuals affected with TMEM70-related conditions. ClinVar contains an entry for this variant (Variation ID: 909748). Algorithms developed to predict the effect of missense changes on protein structure and function output the following: SIFT: "Tolerated"; PolyPhen-2: "Benign"; Align-GVGD: "Class C0". The glutamine amino acid residue is found in multiple mammalian species, which suggests that this missense change does not adversely affect protein function. In summary, the available evidence is currently insufficient to determine the role of this variant in disease. Therefore, it has been classified as a Variant of Uncertain Significance.

Illumina Laboratory Services, Illumina
Classification: Uncertain significance for Mitochondrial complex V (ATP synthase) deficiency, nuclear type 2. Last evaluated: 2018-01-13. Review status: criteria provided, single submitter. Criteria: ICSL Variant Classification Criteria 13 December 2019. Collection method: clinical testing. Allele origin: germline.

NM_017866.6(TMEM70):c.239G>A (p.Arg80Gln)

Gene: TMEM70 (transmembrane protein 70; plus strand). Cytogenetic location: 8q21.11.
Variant type: single nucleotide variant.
Coding change: c.239G>A on transcript NM_017866.6 (MANE Select); coding-DNA position 239, G replaced by A.
Protein change: p.Arg80Gln; replaces arginine 80 with glutamine.
Molecular consequence: missense variant. On other transcripts: non-coding transcript variant (1).
Genome position (GRCh38, 1-based): chr8:73,978,784, G>A. VCF-style: chr8-73978784-G-A. GRCh37 (hg19) VCF-style: chr8-74891019-G-A.
Other names: c.239G>A, p.Arg80Gln (NM_001040613.3); short protein forms R80Q.
Identifiers: ClinVar variation 909748 (VCV000909748.7), dbSNP rs376156875, ClinGen allele CA4783985.
Genomic context (GRCh38, chr8:73,978,784, plus strand): 5'-TTAGTTGACCATAATGATCCCTGTTTCAATAGATCCCTGTTTATTGGGAAGGATATGTTC[G>A]ATTCTTAAATACGCCATCTGACAAATCAGAAGATGGAAGGCTAATTTATACTGGCAATAT-3'
Protein context (NP_060336.3, residues 70-90): QIPVYWEGYV[Arg80Gln]FLNTPSDKSE